The following is an entry in ClinVar:

NM_000203.5(IDUA):c.1453_1454insAGTGGCGAGTG (p.Gly485fs)

Gene: IDUA (alpha-L-iduronidase; plus strand). Cytogenetic location: 4p16.3.
Variant type: Insertion.
Coding change: c.1453_1454insAGTGGCGAGTG on transcript NM_000203.5 (MANE Select); coding-DNA positions 1453 to 1454, AGTGGCGAGTG inserted.
Protein change: p.Gly485fs; shifts the reading frame from glycine 485.
Molecular consequence: frameshift variant. On other transcripts: non-coding transcript variant (1).
Genome position: GRCh38 VCF-style: chr4-1003085-C-CGAGTGGCGAGT. GRCh37 (hg19) VCF-style: chr4-996873-C-CGAGTGGCGAGT.
Other names: c.1057_1058insAGTGGCGAGTG, p.Gly353fs (NM_001363576.1); short protein forms G353fs, G485fs.
Identifiers: ClinVar variation 5013153 (VCV005013153.1).

ClinVar aggregate classification (germline): Pathogenic (1 of 4 stars; one submission).

Conditions:
Mucopolysaccharidosis type 1. Also called: IDUA deficiency; MPS I; Mucopolysaccharidosis Type I. Identifiers: Orphanet 579, MedGen C0023786, MONDO:0001586.

Submission:

Myriad Genetics, Inc.
Classification: Pathogenic for Mucopolysaccharidosis type 1. Last evaluated: 2024-06-05. Review status: criteria provided, single submitter. Criteria: Myriad Autosomal Dominant, Autosomal Recessive and X-Linked Classification Criteria (2023). Collection method: clinical testing. Allele origin: unknown.
Comment: NM_000203.3(IDUA):c.1453_1454ins11(G485Efs*44) is expected to be pathogenic in the context of mucopolysaccharidosis type I. This variant is predicted to lead to an abnormal or absent protein product due to the creation of a premature termination codon in IDUA, a gene where loss-of-function variants are known to be pathogenic. Please note: this variant was assessed in the context of healthy population screening.